The following is an entry in ClinVar:

NM_004371.4(COPA):c.958G>A (p.Glu320Lys)

Gene: COPA (COPI coat complex subunit alpha; minus strand). Cytogenetic location: 1q23.2.
Variant type: single nucleotide variant.
Coding change: c.958G>A on transcript NM_004371.4 (MANE Select); coding-DNA position 958, G replaced by A.
Protein change: p.Glu320Lys; replaces glutamic acid 320 with lysine.
Molecular consequence: missense variant.
Genome position (GRCh38, 1-based): chr1:160,311,986, C>T on the plus strand (G>A on the coding strand, the complement: COPA is on the minus strand). VCF-style: chr1-160311986-C-T. GRCh37 (hg19) VCF-style: chr1-160281776-C-T.
Other names: c.958G>A, p.Glu320Lys (NM_001098398.2); short protein forms E320K.
Identifiers: ClinVar variation 3900199 (VCV003900199.1).

ClinVar aggregate classification (germline): Uncertain significance (1 of 4 stars; one submission).

Submission:

GeneDx
Classification: Uncertain significance. Last evaluated: 2024-11-26. Review status: criteria provided, single submitter. Criteria: GeneDx Variant Classification Process June 2021. Collection method: clinical testing. Allele origin: germline. Affected: yes.
Comment: Not observed at significant frequency in large population cohorts (gnomAD); In silico analysis supports that this missense variant has a deleterious effect on protein structure/function; Has not been previously published as pathogenic or benign to our knowledge